The following is an entry in ClinVar:

ClinVar aggregate classification (germline): Uncertain significance (1 of 4 stars; one submission).

gnomAD v4.1: 12 of 1,614,130 alleles (0.00074%); highest among the groups gnomAD compares: South Asian, 0.0022%; no homozygotes.

Submission:

Labcorp Genetics (formerly Invitae), Labcorp
Classification: Uncertain significance. Last evaluated: 2025-03-24. Review status: criteria provided, single submitter. Criteria: Invitae Variant Classification Sherloc (09022015). Collection method: clinical testing. Allele origin: germline.
Comment: This sequence change replaces arginine, which is basic and polar, with glutamine, which is neutral and polar, at codon 1184 of the LRP6 protein (p.Arg1184Gln). This variant is present in population databases (no rsID available, gnomAD 0.006%). This variant has not been reported in the literature in individuals affected with LRP6-related conditions. An algorithm developed to predict the effect of missense changes on protein structure and function (PolyPhen-2) suggests that this variant is likely to be tolerated. In summary, the available evidence is currently insufficient to determine the role of this variant in disease. Therefore, it has been classified as a Variant of Uncertain Significance.

NM_002336.3(LRP6):c.3551G>A (p.Arg1184Gln)

Gene: LRP6 (LDL receptor related protein 6; minus strand). Cytogenetic location: 12p13.2.
Variant type: single nucleotide variant.
Coding change: c.3551G>A on transcript NM_002336.3 (MANE Select); coding-DNA position 3551, G replaced by A.
Protein change: p.Arg1184Gln; replaces arginine 1184 with glutamine.
Molecular consequence: missense variant. On other transcripts: non-coding transcript variant (1).
Genome position (GRCh38, 1-based): chr12:12,138,381, C>T on the plus strand (G>A on the coding strand, the complement: LRP6 is on the minus strand). VCF-style: chr12-12138381-C-T. GRCh37 (hg19) VCF-style: chr12-12291315-C-T.
Other names: c.3644G>A, p.Arg1215Gln (NM_001414244.1); c.3551G>A, p.Arg1184Gln (NM_001414245.1, NM_001414246.1, NM_001414248.1 and 3 more transcripts); c.3353G>A, p.Arg1118Gln (NM_001414247.1); c.3098G>A, p.Arg1033Gln (NM_001414252.1, NM_001414253.1, NM_001414254.1); c.3044G>A, p.Arg1015Gln (NM_001414255.1); short protein forms R1015Q, R1118Q, R1184Q, R1215Q, R1033Q.
Identifiers: ClinVar variation 4780872 (VCV004780872.1).